The following is an entry in ClinVar:

NM_173477.5(USH1G):c.713G>T (p.Arg238Leu)

Gene: USH1G (USH1 protein network component sans; minus strand). Cytogenetic location: 17q25.1.
Variant type: single nucleotide variant.
Coding change: c.713G>T on transcript NM_173477.5 (MANE Select); coding-DNA position 713, G replaced by T.
Protein change: p.Arg238Leu; replaces arginine 238 with leucine.
Molecular consequence: missense variant.
Genome position (GRCh38, 1-based): chr17:74,920,123, C>A on the plus strand (G>T on the coding strand, the complement: USH1G is on the minus strand). VCF-style: chr17-74920123-C-A. GRCh37 (hg19) VCF-style: chr17-72916218-C-A.
Other names: c.404G>T, p.Arg135Leu (NM_001282489.3); short protein forms R135L, R238L.
Identifiers: ClinVar variation 2114985 (VCV002114985.4), dbSNP rs1470920009, ClinGen allele CA400963721.

ClinVar aggregate classification (germline): Uncertain significance (1 of 4 stars; one submission).

gnomAD v4.1: 1 of 1,602,798 alleles (0.000062%); highest among the groups gnomAD compares: Admixed American, 0.0017%; no homozygotes.

Submission:

Labcorp Genetics (formerly Invitae), Labcorp
Classification: Uncertain significance. Last evaluated: 2025-05-05. Review status: criteria provided, single submitter. Criteria: Invitae Variant Classification Sherloc (09022015). Collection method: clinical testing. Allele origin: germline.
Comment: This sequence change replaces arginine, which is basic and polar, with leucine, which is neutral and non-polar, at codon 238 of the USH1G protein (p.Arg238Leu). This variant is not present in population databases (gnomAD no frequency). This variant has not been reported in the literature in individuals affected with USH1G-related conditions. ClinVar contains an entry for this variant (Variation ID: 2114985). Invitae Evidence Modeling of protein sequence and biophysical properties (such as structural, functional, and spatial information, amino acid conservation, physicochemical variation, residue mobility, and thermodynamic stability) indicates that this missense variant is expected to disrupt USH1G protein function with a positive predictive value of 80%. In summary, the available evidence is currently insufficient to determine the role of this variant in disease. Therefore, it has been classified as a Variant of Uncertain Significance.